The following is an entry in ClinVar:

ClinVar aggregate classification (germline): Pathogenic (1 of 4 stars; one submission).

Conditions:
Myasthenic syndrome, congenital, 22 (CMS22). Also called: PREPL DEFICIENCY. Identifiers: MedGen C4479088, MONDO:0044299, OMIM 616224.

Submission:

Labcorp Genetics (formerly Invitae), Labcorp
Classification: Pathogenic for Myasthenic syndrome, congenital, 22. Last evaluated: 2025-11-18. Review status: criteria provided, single submitter. Criteria: Invitae Variant Classification Sherloc (09022015). Collection method: clinical testing. Allele origin: germline.
Comment: This sequence change creates a premature translational stop signal (p.Gly561*) in the PREPL gene. It is expected to result in an absent or disrupted protein product. Loss-of-function variants in PREPL are known to be pathogenic (PMID: 24610330, 28726805, 29913539). This variant is not present in population databases (gnomAD no frequency). This variant has not been reported in the literature in individuals affected with PREPL-related conditions. Algorithms developed to predict the effect of sequence changes on RNA splicing suggest that this variant may disrupt the consensus splice site. For these reasons, this variant has been classified as Pathogenic.

Literature cited by the submitters: PubMed 24610330; PubMed 28726805; PubMed 29913539.

NM_001171613.2(PREPL):c.1414G>T (p.Gly472Ter)

Gene: PREPL (prolyl endopeptidase like; minus strand). Cytogenetic location: 2p21.
Variant type: single nucleotide variant.
Coding change: c.1414G>T on transcript NM_001171613.2 (MANE Select); coding-DNA position 1414, G replaced by T.
Protein change: p.Gly472Ter; replaces glycine 472 with a stop codon.
Molecular consequence: nonsense.
Genome position (GRCh38, 1-based): chr2:44,326,777, C>A on the plus strand (G>T on the coding strand, the complement: PREPL is on the minus strand). VCF-style: chr2-44326777-C-A. GRCh37 (hg19) VCF-style: chr2-44553916-C-A.
Other names: c.1495G>T, p.Gly499Ter (NM_001042385.2); c.1483G>T, p.Gly495Ter (NM_001042386.2); c.1681G>T, p.Gly561Ter (NM_001171603.1, NM_001171606.2, NM_001374275.1 and 2 more transcripts); c.1414G>T, p.Gly472Ter (NM_001171617.1, NM_001374277.1); short protein forms G499*, G495*, G472*, G561*.
Identifiers: ClinVar variation 4764749 (VCV004764749.1).
Genomic context (GRCh38, chr2:44,326,777, plus strand): 5'-AAGTCACCGCTCTCACCAGCTCTGGATTAGAATTACACAATGCTCCTGCAAGCACCCCTC[C>A]AGCACTGAAAGCAGTCAGGGTTGTTAGACTTGGCTGAGAAAAGCCTTGGCCATGAAGCGT-3'